The following is an entry in ClinVar:

NM_001040108.2(MLH3):c.3466-5T>C

Gene: MLH3 (mutL homolog 3; minus strand). Cytogenetic location: 14q24.3.
Variant type: single nucleotide variant.
Coding change: c.3466-5T>C on transcript NM_001040108.2 (MANE Select); 5 bases into the intron before coding-DNA position 3466, T replaced by C.
Molecular consequence: intron variant.
Genome position (GRCh38, 1-based): chr14:75,040,020, A>G on the plus strand (T>C on the coding strand, the complement: MLH3 is on the minus strand). VCF-style: chr14-75040020-A-G. GRCh37 (hg19) VCF-style: chr14-75506723-A-G.
Other names: c.3466-5T>C (NM_014381.3, NM_001040108.1).
Identifiers: ClinVar variation 4875954 (VCV004875954.2).

ClinVar aggregate classification (germline): Conflicting classifications of pathogenicity. Review status: criteria provided, conflicting classifications (1 of 4 stars). 2 submissions from 2 submitters: Uncertain significance (1); Likely benign (1). Last evaluated 2026-07-30.

Conditions:
Colorectal cancer, hereditary nonpolyposis, type 7. Identifiers: Orphanet 144, MedGen C1858380, MONDO:0013725, OMIM 614385.

Submissions (2):

Ambry Genetics
Classification: Uncertain significance. Last evaluated: 2026-07-30. Review status: criteria provided, single submitter. Criteria: Ambry Variant Classification Scheme 2023. Collection method: clinical testing. Allele origin: germline.
Comment: The c.3466-5T>C intronic variant results from a T to C substitution 5 nucleotides upstream from coding exon 4 in the MLH3 gene. This nucleotide position is well conserved in available vertebrate species. In silico splice site analysis for this alteration is inconclusive. Based on the available evidence, the clinical significance of this variant remains unclear.

Myriad Genetics, Inc.
Classification: Likely benign for Colorectal cancer, hereditary nonpolyposis, type 7. Last evaluated: 2026-04-28. Review status: criteria provided, single submitter. Criteria: Myriad Autosomal Dominant, Autosomal Recessive and X-Linked Classification Criteria (2023). Collection method: clinical testing. Allele origin: unknown.
Comment: This variant is considered likely benign. This variant is intronic and is not expected to impact mRNA splicing.